The following is an entry in ClinVar:

ClinVar aggregate classification (germline): Conflicting classifications of pathogenicity. Review status: criteria provided, conflicting classifications (1 of 4 stars). 2 submissions from 2 submitters: Pathogenic (1); Uncertain significance (1). Last evaluated 2025-06-18.

Conditions:
Hypertrophic cardiomyopathy. Also called: HYPERTROPHIC MYOCARDIOPATHY. Identifiers: Orphanet 217569, MedGen C0007194, MeSH D002312, MONDO:0005045, HP:0001639.
Cardiovascular phenotype. Identifiers: MedGen CN230736.

Submissions (2):

Labcorp Genetics (formerly Invitae), Labcorp
Classification: Pathogenic for Hypertrophic cardiomyopathy. Last evaluated: 2025-06-18. Review status: criteria provided, single submitter. Criteria: Invitae Variant Classification Sherloc (09022015). Collection method: clinical testing. Allele origin: germline.
Comment: This sequence change replaces valine, which is neutral and non-polar, with alanine, which is neutral and non-polar, at codon 878 of the MYH7 protein (p.Val878Ala). This variant is not present in population databases (gnomAD no frequency). This missense change has been observed in individuals with hypertrophic cardiomyopathy (PMID: 25132132, 28777849). ClinVar contains an entry for this variant (Variation ID: 407172). Invitae Evidence Modeling of protein sequence and biophysical properties (such as structural, functional, and spatial information, amino acid conservation, physicochemical variation, residue mobility, and thermodynamic stability) indicates that this missense variant is expected to disrupt MYH7 protein function with a positive predictive value of 95%. This variant disrupts the p.Val878 amino acid residue in MYH7. Other variant(s) that disrupt this residue have been determined to be pathogenic (PMID: 31735781; internal data). This suggests that this residue is clinically significant, and that variants that disrupt this residue are likely to be disease-causing. For these reasons, this variant has been classified as Pathogenic.

Ambry Genetics
Classification: Uncertain significance for Cardiovascular phenotype. Last evaluated: 2025-05-16. Review status: criteria provided, single submitter. Criteria: Ambry Variant Classification Scheme 2023. Collection method: clinical testing. Allele origin: germline.
Comment: The p.V878A variant (also known as c.2633T>C), located in coding exon 20 of the MYH7 gene, results from a T to C substitution at nucleotide position 2633. The valine at codon 878 is replaced by alanine, an amino acid with similar properties. This alteration is located in the myosin head domain, which contains a statistically significant clustering of pathogenic missense variants (Homburger JR et al. Proc Natl Acad Sci U S A, 2016 06;113:6701-6; Walsh R et al. Genet Med, 2017 02;19:192-203; Ambry internal data). This variant was reported in individual(s) with features consistent with hypertrophic cardiomyopathy (HCM) (Ho CY et al. Circ Cardiovasc Genet, 2009 Aug;2:314-21; Wang J et al. Eur J Heart Fail, 2014 Sep;16:950-7; Bonaventura J et al. J Am Heart Assoc, 2024 May;13:e033565). This amino acid position is highly conserved in available vertebrate species. In addition, this alteration is predicted to be deleterious by in silico analysis. Based on the available evidence, the clinical significance of this variant remains unclear.

Literature cited by the submitters: PubMed 25132132 (cited by Labcorp Genetics (formerly Invitae), Labcorp and Ambry Genetics); PubMed 28777849 (cited by Labcorp Genetics (formerly Invitae), Labcorp); PubMed 31735781 (cited by Labcorp Genetics (formerly Invitae), Labcorp); PubMed 20031602 (cited by Ambry Genetics); PubMed 38757491 (cited by Ambry Genetics).

NM_000257.4(MYH7):c.2633T>C (p.Val878Ala)

Genes: MYH7 (myosin heavy chain 7; minus strand), LOC126861898 (BRD4-independent group 4 enhancer GRCh37_chr14:23893609-23894808; plus strand). Cytogenetic location: 14q11.2.
Variant type: single nucleotide variant.
Coding change: c.2633T>C on transcript NM_000257.4 (MANE Select); coding-DNA position 2633, T replaced by C.
Protein change: p.Val878Ala; replaces valine 878 with alanine.
Molecular consequence: missense variant.
Genome position (GRCh38, 1-based): chr14:23,424,815, A>G on the plus strand (T>C on the coding strand, the complement: MYH7 is on the minus strand). VCF-style: chr14-23424815-A-G. GRCh37 (hg19) VCF-style: chr14-23894024-A-G.
Other names: short protein forms V878A.
Identifiers: ClinVar variation 407172 (VCV000407172.12), dbSNP rs1060501436, ClinGen allele CA16614088.